The following is an entry in ClinVar:

NM_133636.5(HELQ):c.1662+6A>G

Gene: HELQ (helicase, POLQ like; minus strand). Cytogenetic location: 4q21.23.
Variant type: single nucleotide variant.
Coding change: c.1662+6A>G on transcript NM_133636.5 (MANE Select); 6 bases into the intron after coding-DNA position 1662, A replaced by G.
Molecular consequence: intron variant.
Genome position (GRCh38, 1-based): chr4:83,441,299, T>C on the plus strand (A>G on the coding strand, the complement: HELQ is on the minus strand). VCF-style: chr4-83441299-T-C. GRCh37 (hg19) VCF-style: chr4-84362452-T-C.
Other names: c.1461+6A>G (NM_001297755.2); c.30+6A>G (NM_001297757.2); c.171+6A>G (NM_001297756.2).
Identifiers: ClinVar variation 3055337 (VCV003055337.2), dbSNP rs56253838, ClinGen allele CA2989699.

ClinVar aggregate classification (germline): Benign (0 of 4 stars; one submission).

Conditions:
HELQ-related disorder. Also called: HELQ-related condition.

Allele frequency attached by ClinVar (database versions not stated): gnomAD exomes 0.00819; ExAC 0.02885; gnomAD 0.08822; 1000 Genomes Project 0.09585; TOPMed 0.09944; ESP Exome Variant Server 0.10237; 1000 Genomes Project 30x 0.10603.
gnomAD v4.1: 25,010 of 1,501,900 alleles (1.7%); highest among the groups gnomAD compares: African/African-American, 30%; 3,447 homozygotes.

Submission:

PreventionGenetics, part of Exact Sciences
Classification: Benign for HELQ-related condition. Last evaluated: 2019-11-14. Review status: no assertion criteria provided. Collection method: clinical testing. Allele origin: germline.
Comment: This variant is classified as benign based on ACMG/AMP sequence variant interpretation guidelines (Richards et al. 2015 PMID: 25741868, with internal and published modifications).